The following is an entry in ClinVar:

ClinVar aggregate classification (germline): Pathogenic (1 of 4 stars; one submission).

Conditions:
Ataxia-telangiectasia syndrome (AT). Also called: Cerebello-oculocutaneous telangiectasia; Immunodeficiency with ataxia telangiectasia; Ataxia-telangiectasia; AT, COMPLEMENTATION GROUP C; Ataxia telangiectasia (A-T); LOUIS-BAR SYNDROME. Identifiers: Orphanet 100, MedGen C0004135, MONDO:0008840, OMIM 208900.

Submission:

Labcorp Genetics (formerly Invitae), Labcorp
Classification: Pathogenic for Ataxia-telangiectasia syndrome. Last evaluated: 2021-03-26. Review status: criteria provided, single submitter. Criteria: Invitae Variant Classification Sherloc (09022015). Collection method: clinical testing. Allele origin: germline.
Comment: For these reasons, this variant has been classified as Pathogenic. This variant has not been reported in the literature in individuals with ATM-related conditions. This variant is a gross deletion of the genomic region encompassing exon(s) 1-31 of the ATM gene, which includes the initiator codon. The 5' end of this event is unknown as it extends beyond the assayed region for this gene and therefore may encompass additional genes. The 3' boundary is likely confined to intron 31 of the ATM gene. It is expected to result in an absent or disrupted protein product. Loss-of-function variants in ATM are known to be pathogenic (PMID: 23807571, 25614872).

Literature cited by the submitters: PubMed 23807571; PubMed 25614872.

NC_000011.9:g.(?_108093770)_(108164214_?)del

Gene: ATM (ATM serine/threonine kinase; plus strand). Cytogenetic location: 11q22.3.
Variant type: Deletion.
Identifiers: ClinVar variation 2422213 (VCV002422213.4).